The following is an entry in ClinVar:

ClinVar aggregate classification (germline): Pathogenic/Likely pathogenic. Review status: criteria provided, multiple submitters, no conflicts (2 of 4 stars). 6 submissions from 6 submitters: Pathogenic (3); Likely pathogenic (1). 2 of the submissions do not count toward it. Last evaluated 2025-04-23.

Conditions:
Congenital hyperammonemia, type I. Also called: Carbamoyl-phosphate synthase I deficiency; CPS I DEFICIENCY; Carbamoyl phosphate synthetase I deficiency disease; Carbamoyl phosphate synthetase 1 deficiency; Hyperammonemia due to carbamoyl phosphate synthetase 1 deficiency; CPS 1 deficiency. Identifiers: Orphanet 147, MedGen C4082171, MONDO:0009376, OMIM 237300.
Pulmonary hypertension, neonatal, susceptibility to (PHN). Identifiers: MedGen C3714958, MONDO:0014151, OMIM 615371.
CPS1-related disorder. Also called: CPS1-related condition.

Submissions (6):

Dasa
Classification: Pathogenic. Last evaluated: 2025-04-23. Review status: criteria provided, single submitter. Criteria: DASA Assertion Criteria. Collection method: clinical testing. Allele origin: germline.
Comment: NM_001875.5(CPS1):c.1424del (p.Gly475Alafs*2) introduces a premature termination codon predicted to result in loss of normal protein function. Loss-of-function is an established mechanism of disease for this gene. This variant has been reported in an affected individual with related phenotype in a genotype context consistent with recessive disease (PMID: 32154057). The variant is present at low frequency in population datasets. Based on the available data, this variant is classified as pathogenic.

Labcorp Genetics (formerly Invitae), Labcorp
Classification: Pathogenic for Congenital hyperammonemia, type I. Last evaluated: 2024-10-16. Review status: criteria provided, single submitter. Criteria: Invitae Variant Classification Sherloc (09022015). Collection method: clinical testing. Allele origin: germline.
Comment: This sequence change creates a premature translational stop signal (p.Gly475Alafs*2) in the CPS1 gene. It is expected to result in an absent or disrupted protein product. Loss-of-function variants in CPS1 are known to be pathogenic (PMID: 21120950). This variant is not present in population databases (gnomAD no frequency). This premature translational stop signal has been observed in individual(s) with clinical features of carbamoyl phosphate synthetase I deficiency (PMID: 32154057). ClinVar contains an entry for this variant (Variation ID: 1070204). For these reasons, this variant has been classified as Pathogenic.

Fulgent Genetics
Classification: Pathogenic for Congenital hyperammonemia, type I; Pulmonary hypertension, neonatal, susceptibility to. Last evaluated: 2024-02-28. Review status: criteria provided, single submitter. Criteria: ACMG Guidelines, 2015. Collection method: clinical testing. Allele origin: germline.

Baylor Genetics
Classification: Likely pathogenic for Pulmonary hypertension, neonatal, susceptibility to. Last evaluated: 2022-06-29. Review status: criteria provided, single submitter. Criteria: ACMG Guidelines, 2015. Collection method: clinical testing. Allele origin: unknown.

PreventionGenetics, part of Exact Sciences
Classification: Pathogenic for CPS1-related condition. Last evaluated: 2024-06-25. Review status: no assertion criteria provided. Collection method: clinical testing. Allele origin: germline. Not counted in ClinVar's aggregate classification.
Comment: The CPS1 c.1424delG variant is predicted to result in a frameshift and premature protein termination (p.Gly475Alafs*2). This variant has been reported in the homozygous state in an individual with carbamoyl phosphate synthetase I deficiency (Table S2, Makris et al. 2021. PubMed ID: 33309754; Table S2, Isler et al. 2020. PubMed ID: 32154057). This variant has not been reported in a large population database, indicating this variant is rare. Frameshift variants in CPS1 are expected to be pathogenic. This variant is interpreted as pathogenic.

Natera, Inc.
Classification: Pathogenic for Carbamoyl-phosphate synthase I deficiency. Last evaluated: 2021-09-29. Review status: no assertion criteria provided. Collection method: clinical testing. Allele origin: germline. Not counted in ClinVar's aggregate classification.

Literature cited by the submitters: PubMed 32154057 (cited by Dasa and Labcorp Genetics (formerly Invitae), Labcorp); PubMed 21120950 (cited by Labcorp Genetics (formerly Invitae), Labcorp).

NM_001875.5(CPS1):c.1424del (p.Gly475fs)

Gene: CPS1 (carbamoyl-phosphate synthase 1; plus strand). Cytogenetic location: 2q34.
Variant type: Deletion.
Coding change: c.1424del on transcript NM_001875.5 (MANE Select); coding-DNA position 1424, one base deleted (G; older notation c.1424delG).
Protein change: p.Gly475fs; shifts the reading frame from glycine 475.
Molecular consequence: frameshift variant. On other transcripts: non-coding transcript variant (2).
Genome position (GRCh38, 1-based): chr2:210,599,436, G deleted; the last of 3 consecutive G bases (chr2:210,599,434-210,599,436); deleting any one gives the same sequence. VCF-style (leftmost placement, unchanged base first): chr2-210599433-TG-T. GRCh37 (hg19) VCF-style: chr2-211464157-TG-T.
Other names: c.1424del, p.Gly475fs (NM_001122633.3, NM_001369257.1); c.1457del, p.Gly486fs (NM_001369256.1); c.1424delG (NM_001875.4); short protein forms G475fs, G486fs.
Identifiers: ClinVar variation 1070204 (VCV001070204.14), dbSNP rs1375157321, ClinGen allele CA764147558.